The following is an entry in ClinVar:

NM_004364.5(CEBPA):c.932A>C (p.Gln311Pro)

Gene: CEBPA (CCAAT enhancer binding protein alpha; minus strand). Cytogenetic location: 19q13.11.
Variant type: single nucleotide variant.
Coding change: c.932A>C on transcript NM_004364.5 (MANE Select); coding-DNA position 932, A replaced by C.
Protein change: p.Gln311Pro; replaces glutamine 311 with proline.
Molecular consequence: missense variant.
Genome position (GRCh38, 1-based): chr19:33,301,483, T>G on the plus strand (A>C on the coding strand, the complement: CEBPA is on the minus strand). VCF-style: chr19-33301483-T-G. GRCh37 (hg19) VCF-style: chr19-33792389-T-G.
Other names: c.575A>C, p.Gln192Pro (NM_001285829.2); c.1037A>C, p.Gln346Pro (NM_001287424.2); c.890A>C, p.Gln297Pro (NM_001287435.2); c.932A>C (NM_004364.3); short protein forms Q192P, Q297P, Q311P, Q346P.
Identifiers: ClinVar variation 1325888 (VCV001325888.7), dbSNP rs2145258913, ClinGen allele CA405273896.
Genomic context (GRCh38, chr19:33,301,483, plus strand): 5'-AGCTGTTCCACCCGCTTGCGCAGGCGGTCATTGTCACTGGTCAGCTCCAGCACCTTCTGC[T>G]GCGTCTCCACGTTGCGCTGCTTGGCCTTGTCGCGGCTCTTGCGCACCGCGATGTTGTTGC-3'
Protein context (NP_004355.2, residues 301-321): DKAKQRNVET[Gln311Pro]QKVLELTSDN

ClinVar aggregate classification (germline): Conflicting classifications of pathogenicity. Review status: criteria provided, conflicting classifications (1 of 4 stars). 4 submissions from 4 submitters: Likely pathogenic (2); Uncertain significance (1). 1 of the submissions does not count toward it. Last evaluated 2026-01-08.

Conditions:
Inborn genetic diseases. Identifiers: MedGen C0950123, MeSH D030342.
Acute myeloid leukemia (AML). Also called: Leukemia, acute myeloid, somatic; Leukemia, acute myelogenous, somatic; Acute myeloid leukemia, adult; AML adult; Acute non-lymphocytic leukemia; Acute granulocytic leukemia. Identifiers: Orphanet 519, MedGen C0023467, MeSH D015470, MONDO:0018874, OMIM 601626, HP:0004808. Disease mechanism: Constitutively activated FLT3.
CEBPA-related disorders.

Submissions (4):

Ambry Genetics
Classification: Uncertain significance for Inborn genetic diseases. Last evaluated: 2026-01-08. Review status: criteria provided, single submitter. Criteria: Ambry Variant Classification Scheme 2023. Collection method: clinical testing. Allele origin: germline.
Comment: The p.Q311P variant (also known as c.932A>C), located in coding exon 1 of the CEBPA gene, results from an A to C substitution at nucleotide position 932. The glutamine at codon 311 is replaced by proline, an amino acid with similar properties. This variant was reported in individual(s) with features consistent with CEBPA-related acute myeloid leukemia (Harrigan AM et al. Fam Cancer, 2023 Jul;22:331-339, Pathak A et al. Haematologica, 2016 Jul;101:846-52) and segregated with disease in at least one family (PMID 26721895). This amino acid position is highly conserved in available vertebrate species. In addition, the in silico prediction for this alteration is inconclusive. Based on the available evidence, the clinical significance of this variant remains unclear.

Labcorp Genetics (formerly Invitae), Labcorp
Classification: Likely pathogenic for Acute myeloid leukemia. Last evaluated: 2024-12-13. Review status: criteria provided, single submitter. Criteria: Invitae Variant Classification Sherloc (09022015). Collection method: clinical testing. Allele origin: germline.
Comment: This sequence change replaces glutamine, which is neutral and polar, with proline, which is neutral and non-polar, at codon 311 of the CEBPA protein (p.Gln311Pro). This variant is not present in population databases (gnomAD no frequency). This missense change has been observed in individual(s) with familial acute myeloid leukemia (PMID: 26721895, 36879149). It has also been observed to segregate with disease in related individuals. ClinVar contains an entry for this variant (Variation ID: 1325888). Invitae Evidence Modeling of protein sequence and biophysical properties (such as structural, functional, and spatial information, amino acid conservation, physicochemical variation, residue mobility, and thermodynamic stability) indicates that this missense variant is expected to disrupt CEBPA protein function with a positive predictive value of 80%. Experimental studies have shown that this missense change affects CEBPA function (PMID: 26721895). In summary, the currently available evidence indicates that the variant is pathogenic, but additional data are needed to prove that conclusively. Therefore, this variant has been classified as Likely Pathogenic.

Blueprint Genetics
Classification: Likely pathogenic for CEBPA-related disorders. Last evaluated: 2020-08-03. Review status: criteria provided, single submitter. Criteria: ACMG Guidelines, 2015. Collection method: clinical testing. Allele origin: germline. Affected: yes. Observed: 3 variant alleles.

GeneReviews
No classification provided. Condition: Acute myeloid leukemia. Review status: no classification provided. Collection method: literature only. Allele origin: germline. Not counted in ClinVar's aggregate classification.

Literature cited by the submitters: PubMed 26721895 (cited by 3 submitters); PubMed 36879149 (cited by Ambry Genetics and Labcorp Genetics (formerly Invitae), Labcorp).